The following is an entry in ClinVar:

NM_006734.4(HIVEP2):c.1036G>C (p.Gly346Arg)

Gene: HIVEP2 (HIVEP zinc finger 2; minus strand). Cytogenetic location: 6q24.2.
Variant type: single nucleotide variant.
Coding change: c.1036G>C on transcript NM_006734.4 (MANE Select); coding-DNA position 1036, G replaced by C.
Protein change: p.Gly346Arg; replaces glycine 346 with arginine.
Molecular consequence: missense variant.
Genome position (GRCh38, 1-based): chr6:142,773,703, C>G on the plus strand (G>C on the coding strand, the complement: HIVEP2 is on the minus strand). VCF-style: chr6-142773703-C-G. GRCh37 (hg19) VCF-style: chr6-143094840-C-G.
Other names: short protein forms G346R.
Identifiers: ClinVar variation 2656962 (VCV002656962.24), dbSNP rs765422034, ClinGen allele CA365914726.

ClinVar aggregate classification (germline): Uncertain significance (1 of 4 stars; one submission).

Submission:

CeGaT Center for Human Genetics Tuebingen
Classification: Uncertain significance. Last evaluated: 2022-08-01. Review status: criteria provided, single submitter. Criteria: CeGaT Center For Human Genetics Tuebingen Variant Classification Criteria Version 2. Collection method: clinical testing. Allele origin: germline. Affected: yes. Observed: 1 variant allele.
Comment: HIVEP2: PM2, BP4